The following is an entry in ClinVar:

ClinVar aggregate classification (germline): Uncertain significance (1 of 4 stars; one submission).

Submission:

GeneDx
Classification: Uncertain significance. Last evaluated: 2023-05-16. Review status: criteria provided, single submitter. Criteria: GeneDx Variant Classification Process June 2021. Collection method: clinical testing. Allele origin: germline. Affected: yes.
Comment: Not observed at significant frequency in large population cohorts (gnomAD); In silico analysis supports that this missense variant has a deleterious effect on protein structure/function; Has not been previously published as pathogenic or benign to our knowledge

NM_002168.4(IDH2):c.863G>T (p.Arg288Leu)

Gene: IDH2 (isocitrate dehydrogenase (NADP(+)) 2; minus strand). Cytogenetic location: 15q26.1.
Variant type: single nucleotide variant.
Coding change: c.863G>T on transcript NM_002168.4 (MANE Select); coding-DNA position 863, G replaced by T.
Protein change: p.Arg288Leu; replaces arginine 288 with leucine.
Molecular consequence: missense variant.
Genome position (GRCh38, 1-based): chr15:90,087,216, C>A on the plus strand (G>T on the coding strand, the complement: IDH2 is on the minus strand). VCF-style: chr15-90087216-C-A. GRCh37 (hg19) VCF-style: chr15-90630448-C-A.
Other names: c.707G>T, p.Arg236Leu (NM_001289910.1); c.473G>T, p.Arg158Leu (NM_001290114.2); short protein forms R158L, R236L, R288L.
Identifiers: ClinVar variation 2663645 (VCV002663645.1), dbSNP rs2151548118, ClinGen allele CA393801412.